The following is an entry in ClinVar:

NM_015107.3(PHF8):c.2179T>C (p.Cys727Arg)

Gene: PHF8 (PHD finger protein 8; minus strand). Cytogenetic location: Xp11.22.
Variant type: single nucleotide variant.
Coding change: c.2179T>C on transcript NM_015107.3 (MANE Select); coding-DNA position 2179, T replaced by C.
Protein change: p.Cys727Arg; replaces cysteine 727 with arginine.
Molecular consequence: missense variant.
Genome position (GRCh38, 1-based): chrX:53,985,178, A>G on the plus strand (T>C on the coding strand, the complement: PHF8 is on the minus strand). VCF-style: chrX-53985178-A-G. GRCh37 (hg19) VCF-style: chrX-54011611-A-G.
Other names: c.2287T>C, p.Cys763Arg (NM_001184896.1, NM_001441097.1); c.1876T>C, p.Cys626Arg (NM_001184897.2); c.2128T>C, p.Cys710Arg (NM_001184898.2); c.1984T>C, p.Cys662Arg (NM_001441096.1, NM_001441098.1); short protein forms C626R, C662R, C710R, C727R, C763R.
Identifiers: ClinVar variation 4531066 (VCV004531066.1).

ClinVar aggregate classification (germline): Uncertain significance (1 of 4 stars; one submission).

Submission:

GeneDx
Classification: Uncertain significance. Last evaluated: 2025-05-20. Review status: criteria provided, single submitter. Criteria: GeneDx Variant Classification Process June 2021. Collection method: clinical testing. Allele origin: germline. Affected: yes.
Comment: Not observed at significant frequency in large population cohorts (gnomAD); In silico analysis supports that this missense variant has a deleterious effect on protein structure/function; Has not been previously published as pathogenic or benign to our knowledge